The following is an entry in ClinVar:

ClinVar aggregate classification (germline): Uncertain significance (1 of 4 stars; one submission).

gnomAD v4.1: 1 of 1,612,352 alleles (0.000062%); highest among the groups gnomAD compares: Non-Finnish European, 0.000085%; no homozygotes.

Submission:

Labcorp Genetics (formerly Invitae), Labcorp
Classification: Uncertain significance. Last evaluated: 2025-04-02. Review status: criteria provided, single submitter. Criteria: Invitae Variant Classification Sherloc (09022015). Collection method: clinical testing. Allele origin: germline.
Comment: This sequence change replaces leucine, which is neutral and non-polar, with methionine, which is neutral and non-polar, at codon 69 of the SLC38A8 protein (p.Leu69Met). This variant is not present in population databases (gnomAD no frequency). This variant has not been reported in the literature in individuals affected with SLC38A8-related conditions. Invitae Evidence Modeling of protein sequence and biophysical properties (such as structural, functional, and spatial information, amino acid conservation, physicochemical variation, residue mobility, and thermodynamic stability) indicates that this missense variant is not expected to disrupt SLC38A8 protein function with a negative predictive value of 80%. In summary, the available evidence is currently insufficient to determine the role of this variant in disease. Therefore, it has been classified as a Variant of Uncertain Significance.

NM_001080442.3(SLC38A8):c.205C>A (p.Leu69Met)

Gene: SLC38A8 (solute carrier family 38 member 8; minus strand). Cytogenetic location: 16q23.3.
Variant type: single nucleotide variant.
Coding change: c.205C>A on transcript NM_001080442.3 (MANE Select); coding-DNA position 205, C replaced by A.
Protein change: p.Leu69Met; replaces leucine 69 with methionine.
Molecular consequence: missense variant.
Genome position (GRCh38, 1-based): chr16:84,036,885, G>T on the plus strand (C>A on the coding strand, the complement: SLC38A8 is on the minus strand). VCF-style: chr16-84036885-G-T. GRCh37 (hg19) VCF-style: chr16-84070490-G-T.
Other names: short protein forms L69M.
Identifiers: ClinVar variation 4743110 (VCV004743110.1).